The following is an entry in ClinVar:

ClinVar aggregate classification (germline): Uncertain significance (1 of 4 stars; one submission).

gnomAD v4.1: 2 of 1,611,410 alleles (0.00012%); highest among the groups gnomAD compares: Admixed American, 0.0034%; no homozygotes.

Submission:

Ambry Genetics
Classification: Uncertain significance. Last evaluated: 2026-04-12. Review status: criteria provided, single submitter. Criteria: Ambry Variant Classification Scheme 2023. Collection method: clinical testing. Allele origin: germline.
Comment: The p.I24N variant (also known as c.71T>A), located in coding exon 1 of the RAD51B gene, results from a T to A substitution at nucleotide position 71. The isoleucine at codon 24 is replaced by asparagine, an amino acid with dissimilar properties. This amino acid position is conserved. In addition, the in silico prediction for this alteration is inconclusive. Based on the available evidence, the clinical significance of this variant remains unclear.

NM_133510.4(RAD51B):c.71T>A (p.Ile24Asn)

Gene: RAD51B (RAD51 paralog B; plus strand). Cytogenetic location: 14q24.1.
Variant type: single nucleotide variant.
Coding change: c.71T>A on transcript NM_133510.4 (MANE Select); coding-DNA position 71, T replaced by A.
Protein change: p.Ile24Asn; replaces isoleucine 24 with asparagine.
Molecular consequence: missense variant. On other transcripts: 5 prime UTR variant (2).
Genome position (GRCh38, 1-based): chr14:67,823,614, T>A. VCF-style: chr14-67823614-T-A. GRCh37 (hg19) VCF-style: chr14-68290331-T-A.
Other names: c.71T>A, p.Ile24Asn (NM_001321809.2, NM_001321810.2, NM_001321812.1 and 6 more transcripts); c.-44T>A (NM_001321815.1); c.-385T>A (NM_001321817.2); short protein forms I24N.
Identifiers: ClinVar variation 4862884 (VCV004862884.1).